The following is an entry in ClinVar:

ClinVar aggregate classification (germline): Uncertain significance (1 of 4 stars; one submission).

Allele frequency attached by ClinVar (database versions not stated): gnomAD exomes below 0.00001.
gnomAD v4.1: 1 of 1,614,060 alleles (0.000062%); highest among the groups gnomAD compares: Non-Finnish European, 0.000085%; no homozygotes.

Submission:

Labcorp Genetics (formerly Invitae), Labcorp
Classification: Uncertain significance. Last evaluated: 2021-07-31. Review status: criteria provided, single submitter. Criteria: Invitae Variant Classification Sherloc (09022015). Collection method: clinical testing. Allele origin: germline.
Comment: In summary, the available evidence is currently insufficient to determine the role of this variant in disease. Therefore, it has been classified as a Variant of Uncertain Significance. Advanced modeling of protein sequence and biophysical properties (such as structural, functional, and spatial information, amino acid conservation, physicochemical variation, residue mobility, and thermodynamic stability) performed at Invitae indicates that this missense variant is not expected to disrupt COL2A1 protein function. This variant has not been reported in the literature in individuals affected with COL2A1-related conditions. This variant is not present in population databases (ExAC no frequency). This sequence change replaces isoleucine with valine at codon 1463 of the COL2A1 protein (p.Ile1463Val). The isoleucine residue is moderately conserved and there is a small physicochemical difference between isoleucine and valine.

NM_001844.5(COL2A1):c.4387A>G (p.Ile1463Val)

Gene: COL2A1 (collagen type II alpha 1 chain; minus strand). Cytogenetic location: 12q13.11.
Variant type: single nucleotide variant.
Coding change: c.4387A>G on transcript NM_001844.5 (MANE Select); coding-DNA position 4387, A replaced by G.
Protein change: p.Ile1463Val; replaces isoleucine 1463 with valine.
Molecular consequence: missense variant.
Genome position (GRCh38, 1-based): chr12:47,973,484, T>C on the plus strand (A>G on the coding strand, the complement: COL2A1 is on the minus strand). VCF-style: chr12-47973484-T-C. GRCh37 (hg19) VCF-style: chr12-48367267-T-C.
Other names: c.4180A>G, p.Ile1394Val (NM_033150.3); short protein forms I1394V, I1463V.
Identifiers: ClinVar variation 1408339 (VCV001408339.6), dbSNP rs1490116358, ClinGen allele CA384533230.